The following is an entry in ClinVar:

NM_030770.4(TMPRSS5):c.1206+35T>G

Genes: TMPRSS5 (transmembrane serine protease 5; minus strand), LOC126861343 (MED14-independent group 3 enhancer GRCh37_chr11:113560791-113561990; plus strand). Cytogenetic location: 11q23.2.
Variant type: single nucleotide variant.
Coding change: c.1206+35T>G on transcript NM_030770.4 (MANE Select); 35 bases into the intron after coding-DNA position 1206, T replaced by G.
Molecular consequence: intron variant.
Genome position (GRCh38, 1-based): chr11:113,690,196, A>C on the plus strand (T>G on the coding strand, the complement: TMPRSS5 is on the minus strand). VCF-style: chr11-113690196-A-C. GRCh37 (hg19) VCF-style: chr11-113560918-A-C.
Other names: c.867+35T>G (NM_001288749.2); c.1074+35T>G (NM_001288750.2); c.999+35T>G (NM_001288752.2); c.1179+35T>G (NM_001288751.2).
Identifiers: ClinVar variation 682805 (VCV000682805.1), dbSNP rs754202991, ClinGen allele CA6281582.

ClinVar aggregate classification (germline): Benign (1 of 4 stars; one submission).

Submission:

GeneDx
Classification: Benign. Last evaluated: 2018-06-13. Review status: criteria provided, single submitter. Criteria: GeneDx Variant Classification (06012015). Collection method: clinical testing. Allele origin: germline. Affected: yes.
Comment: This variant is considered likely benign or benign based on one or more of the following criteria: it is a conservative change, it occurs at a poorly conserved position in the protein, it is predicted to be benign by multiple in silico algorithms, and/or has population frequency not consistent with disease.